The following is an entry in ClinVar:

ClinVar aggregate classification (germline): Uncertain significance. Review status: criteria provided, multiple submitters, no conflicts (2 of 4 stars). 5 submissions from 5 submitters: Uncertain significance (5). Last evaluated 2025-08-05.

Conditions:
Cardiovascular phenotype. Identifiers: MedGen CN230736.
Lethal congenital glycogen storage disease of heart. Also called: GLYCOGEN STORAGE DISEASE OF HEART; PHOSPHORYLASE KINASE DEFICIENCY OF HEART. Identifiers: Orphanet 439854, MedGen C1849813, MONDO:0009867, OMIM 261740.

Submissions (5):

Labcorp Genetics (formerly Invitae), Labcorp
Classification: Uncertain significance for Lethal congenital glycogen storage disease of heart. Last evaluated: 2025-08-05. Review status: criteria provided, single submitter. Criteria: Invitae Variant Classification Sherloc (09022015). Collection method: clinical testing. Allele origin: germline.
Comment: This sequence change replaces valine, which is neutral and non-polar, with isoleucine, which is neutral and non-polar, at codon 336 of the PRKAG2 protein (p.Val336Ile). This variant is not present in population databases (gnomAD no frequency). This missense change has been observed in individual(s) with hypertrophic cardiomyopathy (PMID: 27532257; internal data). ClinVar contains an entry for this variant (Variation ID: 179205). Invitae Evidence Modeling of protein sequence and biophysical properties (such as structural, functional, and spatial information, amino acid conservation, physicochemical variation, residue mobility, and thermodynamic stability) has been performed for this missense variant. However, the output from this modeling did not meet the statistical confidence thresholds required to predict the impact of this variant on PRKAG2 protein function. This variant disrupts the p.Val336 amino acid residue in PRKAG2. Other variant(s) that disrupt this residue have been determined to be pathogenic (PMID: 28431061; internal data). This suggests that this residue is clinically significant, and that variants that disrupt this residue are likely to be disease-causing. In summary, the available evidence is currently insufficient to determine the role of this variant in disease. Therefore, it has been classified as a Variant of Uncertain Significance.

Ambry Genetics
Classification: Uncertain significance for Cardiovascular phenotype. Last evaluated: 2023-03-17. Review status: criteria provided, single submitter. Criteria: Ambry Variant Classification Scheme 2023. Collection method: clinical testing. Allele origin: germline.
Comment: The p.V336I variant (also known as c.1006G>A) is located in coding exon 9 of the PRKAG2 gene. The valine at codon 336 is replaced by isoleucine, an amino acid with highly similar properties. This change occurs in the first base pair of coding exon 9. This alteration has been reported in a hypertrophic cardiomyopathy (HCM) cohort; however, clinical details were limited (Walsh R et al. Genet. Med., 2017 Feb;19:192-203). This amino acid position is highly conserved in available vertebrate species. In addition, the in silico prediction for this alteration is inconclusive. Since supporting evidence is limited at this time, the clinical significance of this alteration remains unclear.

GeneDx
Classification: Uncertain significance. Last evaluated: 2018-10-05. Review status: criteria provided, single submitter. Criteria: GeneDx Variant Classification (06012015). Collection method: clinical testing. Allele origin: germline. Affected: yes.
Comment: The V336I variant has not been published as a pathogenic variant, nor has it been reported as a benign variant to our knowledge. The V336I variant was not observed in approximately 6,500 individuals of European and African American ancestry in the NHLBI Exome Sequencing Project, indicating it is not a common benign variant in these populations. This substitution occurs at a position that is conserved across species. Nonetheless, V336I is a conservative amino acid substitution, which is not likely to impact secondary protein structure as these residues share similar properties. Finally, in silico analysis is inconsistent in its predictions as to whether or not the variant is damaging to the protein structure/function.Therefore, based on the currently available information, it is unclear whether this variant is pathogenic or rare benign.

Stanford Center for Inherited Cardiovascular Disease, Stanford University
Classification: Uncertain significance. Last evaluated: 2014-05-30. Review status: criteria provided, single submitter. Criteria: ACMG Guidelines, 2015. Collection method: provider interpretation. Allele origin: germline.

Laboratory for Molecular Medicine, Mass General Brigham Personalized Medicine
Classification: Uncertain significance. Last evaluated: 2013-08-09. Review status: criteria provided, single submitter. Criteria: LMM Criteria. Collection method: clinical testing. Allele origin: germline. Observed: 1 variant allele.
Comment: The Val336Ile variant in PRKAG2 has not been reported in individuals with cardio myopathy or in large population studies. It is located in the CBS domain region of the PRKAG2 protein, where all pathogenic PRKAG2 variants have been identified to date (Oliveira 2003). Valine (Val) at position 336 is highly conserved in ma mmals and across evolutionarily distant species. However, additional computation al analyses (biochemical amino acid properties, AlignGVGD, PolyPhen2, and SIFT) suggest that the Val336Ile variant may not impact the protein, though this infor mation is not predictive enough to rule out pathogenicity. This variant is locat ed in the first base of the exon, which is part of the 3? splice region. Computa tional tools do not suggest an impact to splicing; however, this information is not predictive enough to DETERMINE/RULE OUT pathogenicity. In summary, additiona l information is needed to fully assess the clinical significance of this varian t.

Literature cited by the submitters: PubMed 27532257 (cited by Labcorp Genetics (formerly Invitae), Labcorp and Ambry Genetics); PubMed 28431061 (cited by Labcorp Genetics (formerly Invitae), Labcorp and Ambry Genetics); PubMed 28546535 (cited by Ambry Genetics).

NM_016203.4(PRKAG2):c.1006G>A (p.Val336Ile)

Gene: PRKAG2 (protein kinase AMP-activated non-catalytic subunit gamma 2; minus strand). Cytogenetic location: 7q36.1.
Variant type: single nucleotide variant.
Coding change: c.1006G>A on transcript NM_016203.4 (MANE Select); coding-DNA position 1006, G replaced by A.
Protein change: p.Val336Ile; replaces valine 336 with isoleucine.
Molecular consequence: missense variant.
Genome position (GRCh38, 1-based): chr7:151,572,709, C>T on the plus strand (G>A on the coding strand, the complement: PRKAG2 is on the minus strand). VCF-style: chr7-151572709-C-T. GRCh37 (hg19) VCF-style: chr7-151269795-C-T.
Other names: p.V336I:GTA>ATA; c.874G>A, p.Val292Ile (NM_001040633.2); c.631G>A, p.Val211Ile (NM_001304527.2); c.283G>A, p.Val95Ile (NM_001304531.2, NM_024429.2); c.634G>A, p.Val212Ile (NM_001363698.2); short protein forms V336I, V292I, V211I, V212I, V95I.
Identifiers: ClinVar variation 179205 (VCV000179205.20), dbSNP rs727504707, ClinGen allele CA013508.